The following is an entry in ClinVar:

ClinVar aggregate classification (germline): Uncertain significance (1 of 4 stars; one submission).

Conditions:
Aicardi-Goutieres syndrome 2. Identifiers: Orphanet 51, MedGen C3489724, MONDO:0012429, OMIM 610181.

Allele frequency attached by ClinVar (database versions not stated): gnomAD exomes below 0.00001; gnomAD 0.00001.
gnomAD v4.1: 7 of 1,599,276 alleles (0.00044%); highest among the groups gnomAD compares: African/African-American, 0.0013%; no homozygotes.

Submission:

Labcorp Genetics (formerly Invitae), Labcorp
Classification: Uncertain significance for Aicardi-Goutieres syndrome 2. Last evaluated: 2019-06-26. Review status: criteria provided, single submitter. Criteria: Invitae Variant Classification Sherloc (09022015). Collection method: clinical testing. Allele origin: germline.
Comment: In summary, the available evidence is currently insufficient to determine the role of this variant in disease. Therefore, it has been classified as a Variant of Uncertain Significance. Algorithms developed to predict the effect of missense changes on protein structure and function are either unavailable or do not agree on the potential impact of this missense change (SIFT: "Tolerated"; PolyPhen-2: "Possibly Damaging"; Align-GVGD: "Class C0"). This variant has not been reported in the literature in individuals with RNASEH2B-related conditions. This variant is not present in population databases (ExAC no frequency). This sequence change replaces lysine with glutamic acid at codon 30 of the RNASEH2B protein (p.Lys30Glu). The lysine residue is moderately conserved and there is a small physicochemical difference between lysine and glutamic acid.

NM_024570.4(RNASEH2B):c.88A>G (p.Lys30Glu)

Gene: RNASEH2B (ribonuclease H2 subunit B; plus strand). Cytogenetic location: 13q14.3.
Variant type: single nucleotide variant.
Coding change: c.88A>G on transcript NM_024570.4 (MANE Select); coding-DNA position 88, A replaced by G.
Protein change: p.Lys30Glu; replaces lysine 30 with glutamic acid.
Molecular consequence: missense variant.
Genome position (GRCh38, 1-based): chr13:50,927,430, A>G. VCF-style: chr13-50927430-A-G. GRCh37 (hg19) VCF-style: chr13-51501566-A-G.
Other names: c.88A>G, p.Lys30Glu (NM_001142279.2); short protein forms K30E.
Identifiers: ClinVar variation 952295 (VCV000952295.9), dbSNP rs1395602025, ClinGen allele CA388258541.